The following is an entry in ClinVar:

ClinVar aggregate classification (germline): Likely pathogenic (1 of 4 stars; one submission).

Conditions:
Joubert syndrome. Also called: CEREBELLOPARENCHYMAL DISORDER IV; JOUBERT-BOLTSHAUSER SYNDROME; Familial aplasia of the vermis. Identifiers: Orphanet 475, MedGen C5979921, MONDO:0018772.

Allele frequency attached by ClinVar (database versions not stated): gnomAD exomes below 0.00001.
gnomAD v4.1: 5 of 1,612,862 alleles (0.00031%); highest among the groups gnomAD compares: Non-Finnish European, 0.00042%; no homozygotes.

Submission:

Labcorp Genetics (formerly Invitae), Labcorp
Classification: Likely pathogenic for Joubert syndrome. Last evaluated: 2023-08-15. Review status: criteria provided, single submitter. Criteria: Invitae Variant Classification Sherloc (09022015). Collection method: clinical testing. Allele origin: germline.
Comment: This sequence change affects an acceptor splice site in intron 23 of the AHI1 gene. It is expected to disrupt RNA splicing. Variants that disrupt the donor or acceptor splice site typically lead to a loss of protein function (PMID: 16199547), and loss-of-function variants in AHI1 are known to be pathogenic (PMID: 15322546, 16453322, 28442542, 29186038). This variant is not present in population databases (gnomAD no frequency). This variant has not been reported in the literature in individuals affected with AHI1-related conditions. Algorithms developed to predict the effect of sequence changes on RNA splicing suggest that this variant may disrupt the consensus splice site. In summary, the currently available evidence indicates that the variant is pathogenic, but additional data are needed to prove that conclusively. Therefore, this variant has been classified as Likely Pathogenic.

Literature cited by the submitters: PubMed 16199547; PubMed 15322546; PubMed 16453322; PubMed 28442542; PubMed 29186038.

NM_001134831.2(AHI1):c.3166-1G>T

Gene: AHI1 (Abelson helper integration site 1; minus strand). Cytogenetic location: 6q23.3.
Variant type: single nucleotide variant.
Coding change: c.3166-1G>T on transcript NM_001134831.2 (MANE Select); the canonical splice acceptor site of the intron before coding-DNA position 3166, G replaced by T.
Molecular consequence: splice acceptor variant.
Genome position (GRCh38, 1-based): chr6:135,323,325, C>A on the plus strand (G>T on the coding strand, the complement: AHI1 is on the minus strand). VCF-style: chr6-135323325-C-A. GRCh37 (hg19) VCF-style: chr6-135644463-C-A.
Other names: c.3166-1G>T (NM_001134830.2, NM_001350503.2, NM_017651.5 and 1 more transcripts).
Identifiers: ClinVar variation 2738516 (VCV002738516.3), dbSNP rs2483268122, ClinGen allele CA365845896.
Genomic context (GRCh38, chr6:135,323,325, plus strand): 5'-TCCGCGATGGATGGTTAGTTCATCTGATCGATTCGCTGTGTAGTCATAAAGAGCCACTAC[C>A]TAAGAGAGAGATAAGACCACCACAGCTTTATCACAACTGTACCACAGAGAAAACCCCCAA-3'